The following is an entry in ClinVar:

NM_000430.4(PAFAH1B1):c.518C>G (p.Thr173Ser)

Gene: PAFAH1B1 (platelet activating factor acetylhydrolase 1b regulatory subunit 1; plus strand). Cytogenetic location: 17p13.3.
Variant type: single nucleotide variant.
Coding change: c.518C>G on transcript NM_000430.4 (MANE Select); coding-DNA position 518, C replaced by G.
Protein change: p.Thr173Ser; replaces threonine 173 with serine.
Molecular consequence: missense variant.
Genome position (GRCh38, 1-based): chr17:2,670,281, C>G. VCF-style: chr17-2670281-C-G. GRCh37 (hg19) VCF-style: chr17-2573575-C-G.
Other names: short protein forms T173S.
Identifiers: ClinVar variation 1523478 (VCV001523478.8), dbSNP rs2151664089, ClinGen allele CA397640255.
Genomic context (GRCh38, chr17:2,670,281, plus strand): 5'-TACAGGACATTTCATTCGACCACAGCGGCAAGCTTCTGGCTTCCTGTTCTGCAGATATGA[C>G]CATTAAACTATGGGATTTTCAGGGCTTTGAATGCATCAGAACCATGCACGGTAAGGGGTA-3'
Protein context (NP_000421.1, residues 163-183): KLLASCSADM[Thr173Ser]IKLWDFQGFE

ClinVar aggregate classification (germline): Uncertain significance (1 of 4 stars; one submission).

Submission:

Labcorp Genetics (formerly Invitae), Labcorp
Classification: Uncertain significance. Last evaluated: 2021-04-05. Review status: criteria provided, single submitter. Criteria: Invitae Variant Classification Sherloc (09022015). Collection method: clinical testing. Allele origin: germline.
Comment: In summary, the available evidence is currently insufficient to determine the role of this variant in disease. Therefore, it has been classified as a Variant of Uncertain Significance. Algorithms developed to predict the effect of missense changes on protein structure and function (SIFT, PolyPhen-2, Align-GVGD) all suggest that this variant is likely to be tolerated, but these predictions have not been confirmed by published functional studies and their clinical significance is uncertain. This variant has not been reported in the literature in individuals with PAFAH1B1-related conditions. This variant is not present in population databases (ExAC no frequency). This sequence change replaces threonine with serine at codon 173 of the PAFAH1B1 protein (p.Thr173Ser). The threonine residue is highly conserved and there is a small physicochemical difference between threonine and serine.